The following is an entry in ClinVar:

NM_001267550.2(TTN):c.77515A>C (p.Lys25839Gln)

Genes: TTN (titin; minus strand), TTN-AS1 (TTN antisense RNA 1; plus strand). Cytogenetic location: 2q31.2.
Variant type: single nucleotide variant.
Coding change: c.77515A>C on transcript NM_001267550.2 (MANE Select); coding-DNA position 77515, A replaced by C.
Protein change: p.Lys25839Gln; replaces lysine 25839 with glutamine.
Molecular consequence: missense variant.
Genome position (GRCh38, 1-based): chr2:178,568,617, T>G on the plus strand (A>C on the coding strand, the complement: TTN is on the minus strand). VCF-style: chr2-178568617-T-G. GRCh37 (hg19) VCF-style: chr2-179433344-T-G.
Other names: c.72592A>C, p.Lys24198Gln (NM_001256850.1); c.50320A>C, p.Lys16774Gln (NM_003319.4); c.69811A>C, p.Lys23271Gln (NM_133378.4); c.50695A>C, p.Lys16899Gln (NM_133432.3); c.50896A>C, p.Lys16966Gln (NM_133437.4); short protein forms K16899Q, K25839Q, K24198Q, K16774Q, K23271Q, K16966Q.
Identifiers: ClinVar variation 668531 (VCV000668531.3), dbSNP rs1371831965, ClinGen allele CA349610176.
Genomic context (GRCh38, chr2:178,568,617, plus strand): 5'-CTTTAATACTGAGTGTGGTGAGATCCAGTGAATCGGTAACATTGATTCTTGTGGTCTGCT[T>G]CAGTGGGAGACCATCTTTAGTCCAGGTAATGGTTGGCTTAGGACGTCCAGAAATTGGCAC-3'
Protein context (NP_001254479.2, residues 25829-25849): ITWTKDGLPL[Lys25839Gln]QTTRINVTDS

ClinVar aggregate classification (germline): Conflicting classifications of pathogenicity. Review status: criteria provided, conflicting classifications (1 of 4 stars). 2 submissions from 2 submitters: Uncertain significance (1); Likely benign (1). Last evaluated 2018-08-28.

Allele frequency attached by ClinVar (database versions not stated): gnomAD exomes 0.00001; TOPMed 0.00001.

Submissions (2):

Athena Diagnostics
Classification: Uncertain significance. Last evaluated: 2018-08-28. Review status: criteria provided, single submitter. Criteria: Athena Diagnostics Criteria. Collection method: clinical testing. Allele origin: germline.

GeneDx
Classification: Likely benign. Last evaluated: 2018-05-22. Review status: criteria provided, single submitter. Criteria: GeneDx Variant Classification (06012015). Collection method: clinical testing. Allele origin: germline. Affected: yes.
Comment: This variant is considered likely benign or benign based on one or more of the following criteria: it is a conservative change, it occurs at a poorly conserved position in the protein, it is predicted to be benign by multiple in silico algorithms, and/or has population frequency not consistent with disease.